The following is an entry in ClinVar:

ClinVar aggregate classification (germline): Pathogenic. Review status: reviewed by expert panel (3 of 4 stars). 2 submissions from 2 submitters: Pathogenic (1). 1 of the submissions does not count toward it. Last evaluated 2017-12-15.

Conditions:
Breast-ovarian cancer, familial, susceptibility to, 1 (BROVCA1). Also called: BRCA1 Hereditary Breast and Ovarian Cancer; OVARIAN CANCER, SUSCEPTIBILITY TO. Identifiers: Orphanet 145, MedGen C2676676, MONDO:0011450, OMIM 604370. Disease mechanism: loss of function.
Familial cancer of breast. Also called: hereditary breast carcinoma; BREAST CANCER, FAMILIAL; Hereditary breast cancer. Identifiers: Orphanet 227535, MedGen C0346153, MONDO:0016419, OMIM 114480. Disease mechanism: loss of function.

Submissions (2):

Evidence-based Network for the Interpretation of Germline Mutant Alleles (ENIGMA)
Classification: Pathogenic for Breast-ovarian cancer, familial, susceptibility to, 1. Last evaluated: 2017-12-15. Review status: reviewed by expert panel. Criteria: ENIGMA BRCA1/2 Classification Criteria (2017-06-29). Collection method: curation. Allele origin: germline. Study: ENIGMA.
Comment: Variant allele predicted to encode a truncated non-functional protein.

ClinVar Staff, National Center for Biotechnology Information (NCBI)
No classification provided. Condition: Familial cancer of breast. Review status: no classification provided. Collection method: literature only. Allele origin: germline. Affected: yes. Not counted in ClinVar's aggregate classification.

Literature cited by the submitters: PubMed 8808710 (cited by ClinVar Staff, National Center for Biotechnology Information (NCBI)).

NM_007294.4(BRCA1):c.3871_3872insC (p.Cys1291fs)

Genes: BRCA1 (BRCA1 DNA repair associated; minus strand), LOC126862571 (BRD4-independent group 4 enhancer GRCh37_chr17:41243136-41244335; plus strand). Cytogenetic location: 17q21.31.
Variant type: Insertion.
Coding change: c.3871_3872insC on transcript NM_007294.4 (MANE Select); coding-DNA positions 3871 to 3872, C inserted.
Protein change: p.Cys1291fs; shifts the reading frame from cysteine 1291.
Molecular consequence: frameshift variant. On other transcripts: intron variant (135).
Genome position: GRCh38 VCF-style: chr17-43091659-C-CG. GRCh37 (hg19) VCF-style: chr17-41243676-C-CG.
Other names: c.3661_3662insC, p.Cys1221fs (NM_001407885.1, NM_001407886.1, NM_001407887.1 and 13 more transcripts); c.3658_3659insC, p.Cys1220fs (NM_001407894.1, NM_001407895.1, NM_001407896.1 and 9 more transcripts); c.3748_3749insC, p.Cys1250fs (NM_001407919.1, NM_001407937.1, NM_001407938.1 and 19 more transcripts); c.3607_3608insC, p.Cys1203fs (NM_001407920.1, NM_001407921.1, NM_001407922.1 and 9 more transcripts); c.3604_3605insC, p.Cys1202fs (NM_001407930.1, NM_001407931.1, NM_001407932.1 and 2 more transcripts); c.3745_3746insC, p.Cys1249fs (NM_001407940.1, NM_001407941.1, NM_001407649.1 and 11 more transcripts); c.3730_3731insC, p.Cys1244fs (NM_001407942.1, NM_001407944.1, NM_001407945.1 and 29 more transcripts); c.3727_3728insC, p.Cys1243fs (NM_001407943.1, NM_001407964.1, NM_001407740.1 and 20 more transcripts); and 41 more; short protein forms C1244fs, C1291fs, C1163fs, C1202fs, C1223fs, C1250fs, C1290fs, C1203fs.
Identifiers: ClinVar variation 55033 (VCV000055033.3), dbSNP rs397509114, ClinGen allele CA002495.